The following is an entry in ClinVar:

ClinVar aggregate classification (germline): Pathogenic (1 of 4 stars; one submission).

Submission:

CeGaT Center for Human Genetics Tuebingen
Classification: Pathogenic. Last evaluated: 2025-07-01. Review status: criteria provided, single submitter. Criteria: CeGaT Center For Human Genetics Tuebingen Variant Classification Criteria Version 2. Collection method: clinical testing. Allele origin: germline. Affected: yes. Observed: 1 variant allele.
Comment: SCN1A: PVS1, PM2

NM_001165963.4(SCN1A):c.1699del (p.Arg567fs)

Gene: SCN1A (sodium voltage-gated channel alpha subunit 1; minus strand). Cytogenetic location: 2q24.3.
Variant type: Deletion.
Coding change: c.1699del on transcript NM_001165963.4 (MANE Select); coding-DNA position 1699, one base deleted (A; older notation c.1699delA).
Protein change: p.Arg567fs; shifts the reading frame from arginine 567.
Molecular consequence: frameshift variant. On other transcripts: 5 prime UTR variant (1), non-coding transcript variant (1).
Genome position (GRCh38, 1-based): chr2:166,044,013, T deleted on the plus strand (A on the coding strand, the reverse complement: SCN1A is on the minus strand); the first of 2 consecutive T bases (chr2:166,044,013-166,044,014); deleting either gives the same sequence. VCF-style (leftmost placement, unchanged base first): chr2-166044012-CT-C. GRCh37 (hg19) VCF-style: chr2-166900522-CT-C.
Other names: c.1699del, p.Arg567fs (NM_001165964.3, NM_001202435.3, NM_001353948.2 and 7 more transcripts); c.1696del, p.Arg566fs (NM_001353954.2, NM_001353955.2, NM_001353960.2); c.-727del (NM_001353961.2); short protein forms R566fs, R567fs.
Identifiers: ClinVar variation 4085356 (VCV004085356.8).